The following is an entry in ClinVar:

ClinVar aggregate classification (germline): Uncertain significance (1 of 4 stars; one submission).

Conditions:
Evans syndrome, immunodeficiency, and premature immunosenescence associated with tripeptidyl-peptidase II deficiency. Identifiers: MedGen CN231723. Disease mechanism: loss of function.

Allele frequency attached by ClinVar (database versions not stated): gnomAD exomes below 0.00001.
gnomAD v4.1: 1 of 1,614,200 alleles (0.000062%); highest among the groups gnomAD compares: Non-Finnish European, 0.000085%; no homozygotes.

Submission:

Labcorp Genetics (formerly Invitae), Labcorp
Classification: Uncertain significance for Evans syndrome, immunodeficiency, and premature immunosenescence associated with tripeptidyl-peptidase II deficiency. Last evaluated: 2022-02-10. Review status: criteria provided, single submitter. Criteria: Invitae Variant Classification Sherloc (09022015). Collection method: clinical testing. Allele origin: germline.
Comment: In summary, the available evidence is currently insufficient to determine the role of this variant in disease. Therefore, it has been classified as a Variant of Uncertain Significance. Algorithms developed to predict the effect of missense changes on protein structure and function are either unavailable or do not agree on the potential impact of this missense change (SIFT: "Deleterious"; PolyPhen-2: "Possibly Damaging"; Align-GVGD: "Class C0"). This variant has not been reported in the literature in individuals affected with TPP2-related conditions. This variant is present in population databases (no rsID available, gnomAD 0.0009%). This sequence change replaces phenylalanine, which is neutral and non-polar, with serine, which is neutral and polar, at codon 236 of the TPP2 protein (p.Phe236Ser).

NM_001330588.2(TPP2):c.707T>C (p.Phe236Ser)

Gene: TPP2 (tripeptidyl peptidase 2; plus strand). Cytogenetic location: 13q33.1.
Variant type: single nucleotide variant.
Coding change: c.707T>C on transcript NM_001330588.2 (MANE Select); coding-DNA position 707, T replaced by C.
Protein change: p.Phe236Ser; replaces phenylalanine 236 with serine.
Molecular consequence: missense variant. On other transcripts: non-coding transcript variant (1).
Genome position (GRCh38, 1-based): chr13:102,622,963, T>C. VCF-style: chr13-102622963-T-C. GRCh37 (hg19) VCF-style: chr13-103275313-T-C.
Other names: c.707T>C, p.Phe236Ser (NM_001367947.1, NM_003291.4); short protein forms F236S.
Identifiers: ClinVar variation 1380148 (VCV001380148.8), dbSNP rs1398365971, ClinGen allele CA388477347.